The following is an entry in ClinVar:

ClinVar aggregate classification (germline): Pathogenic (1 of 4 stars; one submission).

Conditions:
Hereditary cancer-predisposing syndrome. Also called: Tumor predisposition; Neoplastic Syndromes, Hereditary; Hereditary neoplastic syndrome; Hereditary Cancer Syndrome. Identifiers: Orphanet 140162, MedGen C0027672, MeSH D009386, MONDO:0015356.

Submission:

Color Diagnostics, LLC DBA Color Health
Classification: Pathogenic for Hereditary cancer-predisposing syndrome. Last evaluated: 2022-02-10. Review status: criteria provided, single submitter. Criteria: ACMG Guidelines, 2015. Collection method: clinical testing. Allele origin: germline.
Comment: This variant inserts 2 nucleotides in exon 15 of the BRCA2 gene, creating a frameshift and premature translation stop signal. This variant is expected to result in an absent or non-functional protein product. To our knowledge, this variant has not been reported in individuals affected with hereditary cancer in the literature. This variant has not been identified in the general population by the Genome Aggregation Database (gnomAD). Loss of BRCA2 function is a known mechanism of disease. Based on the available evidence, this variant is classified as Pathogenic.

NM_000059.4(BRCA2):c.7613_7614dup (p.Gln2539fs)

Gene: BRCA2 (BRCA2 DNA repair associated; plus strand). Cytogenetic location: 13q13.1.
Variant type: Duplication.
Coding change: c.7613_7614dup on transcript NM_000059.4 (MANE Select); coding-DNA positions 7613 to 7614, 2 bases duplicated (AA; older notation c.7613_7614dupAA).
Protein change: p.Gln2539fs; shifts the reading frame from glutamine 2539.
Molecular consequence: frameshift variant.
Genome position (GRCh38, 1-based): chr13:32,356,605-32,356,606, AA duplicated; duplicating any 2 consecutive bases within chr13:32,356,604-32,356,606 gives the same sequence; the c. name uses the placement nearest the transcript's 3' end. VCF-style (leftmost placement, unchanged base first): chr13-32356603-T-TAA. GRCh37 (hg19) VCF-style: chr13-32930740-T-TAA.
Other names: short protein forms Q2539fs.
Identifiers: ClinVar variation 630757 (VCV000630757.4), dbSNP rs1566242216, ClinGen allele CA913188531.